The following is an entry in ClinVar:

ClinVar aggregate classification (germline): Uncertain significance (1 of 4 stars; one submission).

Conditions:
Classic or attenuated familial adenomatous polyposis. Identifiers: MedGen CN372698, MONDO:0021057.

Submission:

All of Us Research Program, National Institutes of Health
Classification: Uncertain significance for Classic or attenuated familial adenomatous polyposis. Last evaluated: 2024-03-05. Review status: criteria provided, single submitter. Criteria: ACMG Guidelines, 2015. Collection method: clinical testing. Allele origin: germline. Inheritance: Autosomal dominant inheritance. Observed: 1 variant allele, 1 heterozygote.
Comment: This study involves interpretation of variants in research participants for the purpose of population health screening. Participant phenotype was not available at the time of variant classification. Additional details can be found in publication PMID: 35346344, PMCID: PMC8962531

NM_000038.6(APC):c.1538T>G (p.Val513Gly)

Gene: APC (APC regulator of WNT signaling pathway; plus strand). Cytogenetic location: 5q22.2.
Variant type: single nucleotide variant.
Coding change: c.1538T>G on transcript NM_000038.6 (MANE Select); coding-DNA position 1538, T replaced by G.
Protein change: p.Val513Gly; replaces valine 513 with glycine.
Molecular consequence: missense variant.
Genome position (GRCh38, 1-based): chr5:112,827,237, T>G. VCF-style: chr5-112827237-T-G. GRCh37 (hg19) VCF-style: chr5-112162934-T-G.
Other names: c.1538T>G, p.Val513Gly (NM_001127510.3, NM_001354895.2, NM_001407450.1); c.1484T>G, p.Val495Gly (NM_001127511.3); c.1592T>G, p.Val531Gly (NM_001354896.2, NM_001407447.1, NM_001407448.1 and 1 more transcripts); c.1568T>G, p.Val523Gly (NM_001354897.2); c.1463T>G, p.Val488Gly (NM_001354898.2); c.1454T>G, p.Val485Gly (NM_001354899.2); c.1415T>G, p.Val472Gly (NM_001354900.2); c.1361T>G, p.Val454Gly (NM_001354901.2, NM_001407453.1); and 11 more; short protein forms V129G, V230G, V353G, V384G, V387G, V412G, V422G, V430G.
Identifiers: ClinVar variation 3386241 (VCV003386241.1).